The following is an entry in ClinVar:

ClinVar aggregate classification (germline): Uncertain significance. Review status: criteria provided, multiple submitters, no conflicts (2 of 4 stars). 2 submissions from 2 submitters: Uncertain significance (2). Last evaluated 2025-03-18.

Conditions:
Inborn genetic diseases. Identifiers: MedGen C0950123, MeSH D030342.

gnomAD v4.1: 1 of 1,611,660 alleles (0.000062%); highest among the groups gnomAD compares: African/African-American, 0.0013%; no homozygotes.

Submissions (2):

Labcorp Genetics (formerly Invitae), Labcorp
Classification: Uncertain significance. Last evaluated: 2025-03-18. Review status: criteria provided, single submitter. Criteria: Invitae Variant Classification Sherloc (09022015). Collection method: clinical testing. Allele origin: germline.
Comment: This sequence change replaces histidine, which is basic and polar, with tyrosine, which is neutral and polar, at codon 786 of the DDX58 protein (p.His786Tyr). This variant is present in population databases (no rsID available, gnomAD 0.007%). This variant has not been reported in the literature in individuals affected with DDX58-related conditions. ClinVar contains an entry for this variant (Variation ID: 3433362). Invitae Evidence Modeling of protein sequence and biophysical properties (such as structural, functional, and spatial information, amino acid conservation, physicochemical variation, residue mobility, and thermodynamic stability) indicates that this missense variant is not expected to disrupt DDX58 protein function with a negative predictive value of 80%. In summary, the available evidence is currently insufficient to determine the role of this variant in disease. Therefore, it has been classified as a Variant of Uncertain Significance.

Ambry Genetics
Classification: Uncertain significance for Inborn genetic diseases. Last evaluated: 2024-10-06. Review status: criteria provided, single submitter. Criteria: Ambry Variant Classification Scheme 2023. Collection method: clinical testing. Allele origin: germline.

NM_014314.4(RIGI):c.2356C>T (p.His786Tyr)

Genes: RIGI (RNA sensor RIG-I; minus strand), LOC101060445 (uncharacterized LOC101060445; plus strand). Cytogenetic location: 9p21.1.
Variant type: single nucleotide variant.
Coding change: c.2356C>T on transcript NM_014314.4 (MANE Select); coding-DNA position 2356, C replaced by T.
Protein change: p.His786Tyr; replaces histidine 786 with tyrosine.
Molecular consequence: missense variant.
Genome position (GRCh38, 1-based): chr9:32,459,496, G>A on the plus strand (C>T on the coding strand, the complement: RIGI is on the minus strand). VCF-style: chr9-32459496-G-A. GRCh37 (hg19) VCF-style: chr9-32459494-G-A.
Other names: c.2350C>T, p.His784Tyr (NM_001385907.1); c.2185C>T, p.His729Tyr (NM_001385909.1); c.1915C>T, p.His639Tyr (NM_001385910.1); c.1747C>T, p.His583Tyr (NM_001385912.1); c.2341C>T, p.His781Tyr (NM_001385913.1); c.1912C>T, p.His638Tyr (NM_001385914.1); short protein forms H639Y, H781Y, H786Y, H583Y, H729Y, H638Y, H784Y.
Identifiers: ClinVar variation 3433362 (VCV003433362.2).